The following is an entry in ClinVar:

ClinVar aggregate classification (germline): Uncertain significance. Review status: criteria provided, multiple submitters, no conflicts (2 of 4 stars). 3 submissions from 3 submitters: Uncertain significance (3). Last evaluated 2026-10-01.

Conditions:
Hereditary cancer-predisposing syndrome. Also called: Hereditary Cancer Syndrome; Neoplastic Syndromes, Hereditary; Tumor predisposition; Hereditary neoplastic syndrome. Identifiers: Orphanet 140162, MedGen C0027672, MeSH D009386, MONDO:0015356.
Neuroblastoma, susceptibility to, 3. Also called: ALK-Related Neuroblastic Tumor Susceptibility. Identifiers: Orphanet 635, MedGen C2751681, MONDO:0013083, OMIM 613014.

Allele frequency attached by ClinVar (database versions not stated): gnomAD 0.00002; TOPMed 0.00002.
gnomAD v4.1: 3 of 1,614,020 alleles (0.00019%); highest among the groups gnomAD compares: African/African-American, 0.004%; no homozygotes.

Submissions (3):

St. Jude Molecular Pathology, St. Jude Children's Research Hospital
Classification: Uncertain significance for Neuroblastoma, susceptibility to, 3. Last evaluated: 2026-10-01. Review status: criteria provided, single submitter. Criteria: St. Jude Assertion Criteria 2020. Collection method: clinical testing. Allele origin: germline.
Comment: The ALK c.3884G>A p.(Trp1295Ter) change is a nonsense variant that is predicted to cause premature protein truncation or absence of protein due to nonsense-mediated decay. However, loss of function is not an established mechanism of disease in ALK. To our knowledge, this variant has not been reported in individuals with ALK-related neuroblastic tumor susceptibility. This variant has a maximum subpopulation frequency of 0.01% in gnomAD v2.1.1. In summary, the evidence currently available is insufficient to determine the clinical significance of this variant. It has therefore been classified as of uncertain significance.

Ambry Genetics
Classification: Uncertain significance for Hereditary cancer-predisposing syndrome. Last evaluated: 2025-10-15. Review status: criteria provided, single submitter. Criteria: Ambry Variant Classification Scheme 2023. Collection method: clinical testing. Allele origin: germline.
Comment: The p.W1295* variant (also known as c.3884G>A), located in coding exon 26 of the ALK gene, results from a G to A substitution at nucleotide position 3884. This changes the amino acid from a tryptophan to a stop codon within coding exon 26. This alteration is expected to result in loss of function by premature protein truncation or nonsense-mediated mRNA decay. However, loss of function of ALK has not been established as a mechanism of disease. Based on the available evidence, the clinical significance of this alteration remains unclear.

Labcorp Genetics (formerly Invitae), Labcorp
Classification: Uncertain significance for Neuroblastoma, susceptibility to, 3. Last evaluated: 2025-06-11. Review status: criteria provided, single submitter. Criteria: Invitae Variant Classification Sherloc (09022015). Collection method: clinical testing. Allele origin: germline.
Comment: This sequence change creates a premature translational stop signal (p.Trp1295*) in the ALK gene. It is expected to result in an absent or disrupted protein product. However, the current clinical and genetic evidence is not sufficient to establish whether loss-of-function variants in ALK cause disease. This variant is present in population databases (no rsID available, gnomAD 0.01%). This variant has not been reported in the literature in individuals affected with ALK-related conditions. ClinVar contains an entry for this variant (Variation ID: 639161). Algorithms developed to predict the effect of sequence changes on RNA splicing suggest that this variant may disrupt the consensus splice site. In summary, the available evidence is currently insufficient to determine the role of this variant in disease. Therefore, it has been classified as a Variant of Uncertain Significance.

NM_004304.5(ALK):c.3884G>A (p.Trp1295Ter)

Gene: ALK (ALK receptor tyrosine kinase; minus strand). Cytogenetic location: 2p23.2.
Variant type: single nucleotide variant.
Coding change: c.3884G>A on transcript NM_004304.5 (MANE Select); coding-DNA position 3884, G replaced by A.
Protein change: p.Trp1295Ter; replaces tryptophan 1295 with a stop codon.
Molecular consequence: nonsense.
Genome position (GRCh38, 1-based): chr2:29,207,225, C>T on the plus strand (G>A on the coding strand, the complement: ALK is on the minus strand). VCF-style: chr2-29207225-C-T. GRCh37 (hg19) VCF-style: chr2-29430091-C-T.
Other names: c.680G>A, p.Trp227Ter (NM_001353765.2); short protein forms W1295*, W227*.
Identifiers: ClinVar variation 639161 (VCV000639161.13), dbSNP rs1417330585, ClinGen allele CA346468843.